The following is an entry in ClinVar:

ClinVar aggregate classification (germline): Pathogenic (1 of 4 stars; one submission).

Submission:

ISCA site 4
Classification: Pathogenic. Last evaluated: 2011-08-12. Review status: criteria provided, single submitter. Criteria: Kaminsky et al. (Genet Med. 2011). Collection method: clinical testing. Allele origin: unknown, de novo. Affected: yes. Observed: 7 variant alleles. Clinical features observed: Coloboma (HP:0000589), Tapered fingers (HP:0001182), Intellectual disability (HP:0001249), Seizure (HP:0001250), Developmental delay AND/OR other significant developmental or morphological phenotypes, Global developmental delay (HP:0001263), Abnormal facial shape (HP:0001999).
Comment: Copy number variation identified through the course of routine clinical cytogenomic testing in postnatal populations. Clinical assertions have been curated as described in Kaminsky et al. 2011.

GRCh38/hg38 8p23.3-23.1(chr8:241530-7022841)x1

Genes: AGPAT5 (1-acylglycerol-3-phosphate O-acyltransferase 5; plus strand), ANGPT2 (angiopoietin 2; minus strand), ARHGEF10 (Rho guanine nucleotide exchange factor 10; plus strand), CLN8 (CLN8 transmembrane ER and ERGIC protein; plus strand), CLN8-AS1 (CLN8 antisense RNA 1; minus strand) and 120 more. Cytogenetic location: 8p23.3-23.1.
Variant type: copy number loss.
Change: copy number 1 (one copy instead of two) of chr8:241,530-7,022,841 (6.78 Mb, GRCh38 coordinates, 1-based), cytogenetic band 8p23.3-23.1.
Identifiers: ClinVar variation 160883 (VCV000160883.1).